The following is an entry in ClinVar:

ClinVar aggregate classification (germline): Conflicting classifications of pathogenicity. Review status: criteria provided, conflicting classifications (1 of 4 stars). 3 submissions from 3 submitters: Uncertain significance (2); Likely benign (1). Last evaluated 2024-08-20.

Conditions:
Hereditary cancer-predisposing syndrome. Also called: Tumor predisposition; Hereditary neoplastic syndrome; Hereditary Cancer Syndrome; Neoplastic Syndromes, Hereditary. Identifiers: Orphanet 140162, MedGen C0027672, MeSH D009386, MONDO:0015356.
Hereditary breast ovarian cancer syndrome. Also called: Hereditary breast and ovarian cancer; Breast and ovarian cancer; Hereditary breast and ovarian cancer syndrome; BRCA1- and BRCA2-Associated Hereditary Breast and Ovarian Cancer; Hereditary breast and/or ovarian cancer syndrome; Hereditary breast and ovarian cancer syndrome (HBOC). Identifiers: Orphanet 145, MedGen C0677776, MeSH D061325, MONDO:0003582. Disease mechanism: loss of function.

Submissions (3):

Ambry Genetics
Classification: Uncertain significance for Hereditary cancer-predisposing syndrome. Last evaluated: 2024-08-20. Review status: criteria provided, single submitter. Criteria: Ambry Variant Classification Scheme 2023. Collection method: clinical testing. Allele origin: germline.
Comment: The p.G2274E variant (also known as c.6821G>A), located in coding exon 10 of the BRCA2 gene, results from a G to A substitution at nucleotide position 6821. The glycine at codon 2274 is replaced by glutamic acid, an amino acid with similar properties. This amino acid position is not well conserved in available vertebrate species. In addition, the in silico prediction for this alteration is inconclusive. Based on the available evidence, the clinical significance of this variant remains unclear.

University of Washington Department of Laboratory Medicine, University of Washington
Classification: Likely benign for Hereditary cancer-predisposing syndrome. Last evaluated: 2023-03-23. Review status: criteria provided, single submitter. Criteria: Dines et al. (Genet Med. 2020). Collection method: curation. Allele origin: germline.
Comment: Missense variant in a coldspot region where missense variants are very unlikely to be pathogenic (PMID:31911673).

BRCA2 exon 11 coldspot. Reclassification based on statistical prior probability.

Labcorp Genetics (formerly Invitae), Labcorp
Classification: Uncertain significance for Hereditary breast ovarian cancer syndrome. Last evaluated: 2018-04-30. Review status: criteria provided, single submitter. Criteria: Invitae Variant Classification Sherloc (09022015). Collection method: clinical testing. Allele origin: germline.
Comment: In summary, the available evidence is currently insufficient to determine the role of this variant in disease. Therefore, it has been classified as a Variant of Uncertain Significance. Algorithms developed to predict the effect of missense changes on protein structure and function do not agree on the potential impact of this missense change (SIFT: "Tolerated"; PolyPhen-2: "Probably Damaging"; Align-GVGD: "Class C0"). This variant has been reported in an individual in the Leiden Open-source Variation Database (PMID: 21520333). This variant is not present in population databases (ExAC no frequency). This sequence change replaces glycine with glutamic acid at codon 2274 of the BRCA2 protein (p.Gly2274Glu). The glycine residue is weakly conserved and there is a moderate physicochemical difference between glycine and glutamic acid.

Literature cited by the submitters: PubMed 21520333 (cited by Labcorp Genetics (formerly Invitae), Labcorp).

NM_000059.4(BRCA2):c.6821G>A (p.Gly2274Glu)

Gene: BRCA2 (BRCA2 DNA repair associated; plus strand). Cytogenetic location: 13q13.1.
Variant type: single nucleotide variant.
Coding change: c.6821G>A on transcript NM_000059.4 (MANE Select); coding-DNA position 6821, G replaced by A.
Protein change: p.Gly2274Glu; replaces glycine 2274 with glutamic acid.
Molecular consequence: missense variant.
Genome position (GRCh38, 1-based): chr13:32,341,176, G>A. VCF-style: chr13-32341176-G-A. GRCh37 (hg19) VCF-style: chr13-32915313-G-A.
Other names: short protein forms G2274E.
Identifiers: ClinVar variation 576388 (VCV000576388.11), dbSNP rs55712212, ClinGen allele CA387791438.